The following is an entry in ClinVar:

NM_000320.3(QDPR):c.374A>G (p.His125Arg)

Gene: QDPR (quinoid dihydropteridine reductase; minus strand). Cytogenetic location: 4p15.32.
Variant type: single nucleotide variant.
Coding change: c.374A>G on transcript NM_000320.3 (MANE Select); coding-DNA position 374, A replaced by G.
Protein change: p.His125Arg; replaces histidine 125 with arginine.
Molecular consequence: missense variant. On other transcripts: non-coding transcript variant (1).
Genome position (GRCh38, 1-based): chr4:17,501,781, T>C on the plus strand (A>G on the coding strand, the complement: QDPR is on the minus strand). VCF-style: chr4-17501781-T-C. GRCh37 (hg19) VCF-style: chr4-17503404-T-C.
Other names: c.281A>G, p.His94Arg (NM_001306140.2); short protein forms H94R, H125R.
Identifiers: ClinVar variation 1425915 (VCV001425915.6), dbSNP rs201283946, ClinGen allele CA2868138.

ClinVar aggregate classification (germline): Uncertain significance (1 of 4 stars; one submission).

Conditions:
Dihydropteridine reductase deficiency (HPABH4C). Also called: DHPR DEFICIENCY; BH4-Deficient Hyperphenylalaninemia C; Hyperphenylalaninemia due to dihydropteridine reductase deficiency; Hyperphenylalaninemia, BH-4-deficient, C; Phenylketonuria type 2; HYPERPHENYLALANINEMIA, TETRAHYDROBIOPTERIN-DEFICIENT, DUE TO DHPR DEFICIENCY. Identifiers: Orphanet 226, Orphanet 238583, MedGen C0268465, MONDO:0009862, OMIM 261630.

Allele frequency attached by ClinVar (database versions not stated): TOPMed 0.00001; 1000 Genomes Project 0.00020; 1000 Genomes Project 30x 0.00031.

Submission:

Labcorp Genetics (formerly Invitae), Labcorp
Classification: Uncertain significance for Dihydropteridine reductase deficiency. Last evaluated: 2022-08-09. Review status: criteria provided, single submitter. Criteria: Invitae Variant Classification Sherloc (09022015). Collection method: clinical testing. Allele origin: germline.
Comment: ClinVar contains an entry for this variant (Variation ID: 1425915). In summary, the available evidence is currently insufficient to determine the role of this variant in disease. Therefore, it has been classified as a Variant of Uncertain Significance. Algorithms developed to predict the effect of missense changes on protein structure and function are either unavailable or do not agree on the potential impact of this missense change (SIFT: "Deleterious"; PolyPhen-2: "Probably Damaging"; Align-GVGD: "Class C0"). This variant has not been reported in the literature in individuals affected with QDPR-related conditions. This variant is present in population databases (rs201283946, gnomAD 0.007%). This sequence change replaces histidine, which is basic and polar, with arginine, which is basic and polar, at codon 125 of the QDPR protein (p.His125Arg).